The following is an entry in ClinVar:

ClinVar aggregate classification (germline): Conflicting classifications of pathogenicity. Review status: criteria provided, conflicting classifications (1 of 4 stars). 4 submissions from 4 submitters: Uncertain significance (1); Benign (1). 2 of the submissions do not count toward it. Last evaluated 2026-01-24.

Conditions:
Hereditary xanthinuria type 1 (XAN1). Identifiers: Orphanet 3467, Orphanet 93601, MedGen C0268118, MONDO:0010209, OMIM 278300.
XDH-related disorder. Also called: XDH-related condition.
Xanthinuria type II. Also called: Xanthine dehydrogenase and aldehyde oxidase combined deficiency of; XDH and AOX dual deficiency. Identifiers: Orphanet 3467, Orphanet 93602, MedGen C1863688, MONDO:0011346, OMIM 603592.

Allele frequency attached by ClinVar (database versions not stated): gnomAD exomes 0.00015 and 0.00054; gnomAD 0.00018 and 0.00023; TOPMed 0.00041; ExAC 0.00051; 1000 Genomes Project 0.00140; 1000 Genomes Project 30x 0.00141.
gnomAD v4.1: 266 of 1,614,228 alleles (0.016%); highest among the groups gnomAD compares: East Asian, 0.5%; 1 homozygote.

Submissions (4):

Labcorp Genetics (formerly Invitae), Labcorp
Classification: Benign for Xanthinuria type II. Last evaluated: 2026-01-24. Review status: criteria provided, single submitter. Criteria: Invitae Variant Classification Sherloc (09022015). Collection method: clinical testing. Allele origin: germline.

GeneDx
Classification: Uncertain significance. Last evaluated: 2025-06-03. Review status: criteria provided, single submitter. Criteria: GeneDx Variant Classification Process June 2021. Collection method: clinical testing. Allele origin: germline. Affected: yes.
Comment: In silico analysis supports that this missense variant has a deleterious effect on protein structure/function; This variant is associated with the following publications: (PMID: 18712049, 35712480, 35149915)

Chinese Inherited Urolithiasis Consortium, The Affiliated Yantai Yuhuangding Hospital of Qingdao University
Classification: Likely pathogenic for Hereditary xanthinuria type 1. Last evaluated: 2024-08-26. Review status: no assertion criteria provided. Collection method: clinical testing. Allele origin: paternal. Affected: yes. Observed: 1 variant allele. Not counted in ClinVar's aggregate classification.

PreventionGenetics, part of Exact Sciences
Classification: Benign for XDH-related condition. Last evaluated: 2019-12-16. Review status: no assertion criteria provided. Collection method: clinical testing. Allele origin: germline. Not counted in ClinVar's aggregate classification.
Comment: This variant is classified as benign based on ACMG/AMP sequence variant interpretation guidelines (Richards et al. 2015 PMID: 25741868, with internal and published modifications).

NM_000379.4(XDH):c.2794G>A (p.Ala932Thr)

Gene: XDH (xanthine dehydrogenase; minus strand). Cytogenetic location: 2p23.1.
Variant type: single nucleotide variant.
Coding change: c.2794G>A on transcript NM_000379.4 (MANE Select); coding-DNA position 2794, G replaced by A.
Protein change: p.Ala932Thr; replaces alanine 932 with threonine.
Molecular consequence: missense variant.
Genome position (GRCh38, 1-based): chr2:31,350,061, C>T on the plus strand (G>A on the coding strand, the complement: XDH is on the minus strand). VCF-style: chr2-31350061-C-T. GRCh37 (hg19) VCF-style: chr2-31572927-C-T.
Other names: c.2794G>A (NM_000379.3); short protein forms A932T.
Identifiers: ClinVar variation 1165590 (VCV001165590.14), dbSNP rs141291583, ClinGen allele CA1598682.
Genomic context (GRCh38, chr2:31,350,061, plus strand): 5'-TCTGACTTGTGCTACCAAATTCTCAGCTTACCTCCTCTGCAGGCATCCCACAGGTCACTG[C>T]AACTTCACTCATCCAGCACTCGGCAATGAGCATCCCCTGGGGCCCCCCAAAGCCCCGGAA-3'
Protein context (NP_000370.2, residues 922-942): LIAECWMSEV[Ala932Thr]VTCGMPAEEV